The following is an entry in ClinVar:

ClinVar aggregate classification (germline): Uncertain significance. Review status: criteria provided, multiple submitters, no conflicts (2 of 4 stars). 4 submissions from 4 submitters: Uncertain significance (4). Last evaluated 2026-01-22.

Conditions:
KIF7-related disorder. Also called: KIF7-related condition.
Acrocallosal syndrome (ACLS). Also called: HALLUX DUPLICATION, POSTAXIAL POLYDACTYLY, AND ABSENCE OF CORPUS CALLOSUM; Schinzel syndrome 1; Absence of corpus callosum with unusual facial appearance, mental deficiency, duplication of the halluces and polydactyly. Identifiers: Orphanet 36, MedGen C0796147, MONDO:0008708, OMIM 200990.

Allele frequency attached by ClinVar (database versions not stated): TOPMed 0.00004; gnomAD 0.00003.
gnomAD v4.1: 36 of 1,551,152 alleles (0.0023%); highest among the groups gnomAD compares: Admixed American, 0.024%; no homozygotes.

Submissions (4):

GeneDx
Classification: Uncertain significance. Last evaluated: 2026-01-22. Review status: criteria provided, single submitter. Criteria: GeneDx Variant Classification Process June 2021. Collection method: clinical testing. Allele origin: germline.
Comment: In silico analysis supports that this missense variant has a deleterious effect on protein structure/function; Has not been previously published as pathogenic or benign to our knowledge

PreventionGenetics, part of Exact Sciences
Classification: Uncertain significance for KIF7-related condition. Last evaluated: 2023-04-23. Review status: criteria provided, single submitter. Criteria: ACMG Guidelines, 2015. Collection method: clinical testing. Allele origin: germline.
Comment: The KIF7 c.137G>A variant is predicted to result in the amino acid substitution p.Arg46His. To our knowledge, this variant has not been reported in the literature. This variant is reported in 0.035% of alleles in individuals of Latino descent in gnomAD. At this time, the clinical significance of this variant is uncertain due to the absence of conclusive functional and genetic evidence.

Revvity Omics, Revvity
Classification: Uncertain significance. Last evaluated: 2022-11-27. Review status: criteria provided, single submitter. Criteria: ACMG Guidelines, 2015. Collection method: clinical testing. Allele origin: germline.

Labcorp Genetics (formerly Invitae), Labcorp
Classification: Uncertain significance for Acrocallosal syndrome. Last evaluated: 2022-06-09. Review status: criteria provided, single submitter. Criteria: Invitae Variant Classification Sherloc (09022015). Collection method: clinical testing. Allele origin: germline.
Comment: This sequence change replaces arginine, which is basic and polar, with histidine, which is basic and polar, at codon 46 of the KIF7 protein (p.Arg46His). This variant is present in population databases (no rsID available, gnomAD 0.04%). This variant has not been reported in the literature in individuals affected with KIF7-related conditions. Algorithms developed to predict the effect of missense changes on protein structure and function are either unavailable or do not agree on the potential impact of this missense change (SIFT: "Deleterious"; PolyPhen-2: "Possibly Damaging"; Align-GVGD: "Class C0"). In summary, the available evidence is currently insufficient to determine the role of this variant in disease. Therefore, it has been classified as a Variant of Uncertain Significance.

NM_198525.3(KIF7):c.137G>A (p.Arg46His)

Gene: KIF7 (kinesin family member 7; minus strand). Cytogenetic location: 15q26.1.
Variant type: single nucleotide variant.
Coding change: c.137G>A on transcript NM_198525.3 (MANE Select); coding-DNA position 137, G replaced by A.
Protein change: p.Arg46His; replaces arginine 46 with histidine.
Molecular consequence: missense variant.
Genome position (GRCh38, 1-based): chr15:89,652,794, C>T on the plus strand (G>A on the coding strand, the complement: KIF7 is on the minus strand). VCF-style: chr15-89652794-C-T. GRCh37 (hg19) VCF-style: chr15-90196025-C-T.
Other names: c.137G>A (NM_198525.2); short protein forms R46H.
Identifiers: ClinVar variation 1955086 (VCV001955086.8), dbSNP rs959891471, ClinGen allele CA274584484.
Genomic context (GRCh38, chr15:89,652,794, plus strand): 5'-CCCGCATCCTCGGCCAGCACCACGTGGAAGCCAAAGTGTCGGTCACGGCCCAGAGTGACG[C>T]GGCCAAGCCCTGGCTCCACCTGCAGGCAGCTCTGATGCCCGTGCAGCAGCTCCTTGGGCA-3'
Protein context (NP_940927.2, residues 36-56): SCLQVEPGLG[Arg46His]VTLGRDRHFG